The following is an entry in ClinVar:

NM_001083962.2(TCF4):c.549A>T (p.Ser183=)

Gene: TCF4 (transcription factor 4; minus strand). Cytogenetic location: 18q21.2.
Variant type: single nucleotide variant.
Coding change: c.549A>T on transcript NM_001083962.2 (MANE Select); coding-DNA position 549, A replaced by T.
Protein change: p.Ser183=; no amino-acid change (serine 183 retained).
Molecular consequence: synonymous variant.
Genome position (GRCh38, 1-based): chr18:55,350,359, T>A on the plus strand (A>T on the coding strand, the complement: TCF4 is on the minus strand). VCF-style: chr18-55350359-T-A. GRCh37 (hg19) VCF-style: chr18-53017590-T-A.
Other names: c.855A>T, p.Ser285= (NM_001243226.3); c.477A>T, p.Ser159= (NM_001243227.2, NM_001306207.1, NM_001348217.1 and 9 more transcripts); c.549A>T, p.Ser183= (NM_001243228.2, NM_001330604.3, NM_001369567.1 and 5 more transcripts); c.543A>T, p.Ser181= (NM_001243230.2); c.423A>T, p.Ser141= (NM_001243231.2, NM_001348211.2); c.336A>T, p.Ser112= (NM_001243232.1, NM_001306208.1); c.159A>T, p.Ser53= (NM_001243233.2, NM_001330605.3, NM_001348212.2 and 1 more transcripts); c.474A>T, p.Ser158= (NM_001348220.1, NM_001369576.1, NM_001369578.1 and 3 more transcripts); and 1 more.
Identifiers: ClinVar variation 1700439 (VCV001700439.3), dbSNP rs919002190, ClinGen allele CA301134065.

ClinVar aggregate classification (germline): Uncertain significance (1 of 4 stars; one submission).

Conditions:
Pitt-Hopkins syndrome (PTHS). Also called: ENCEPHALOPATHY, SEVERE EPILEPTIC, WITH AUTONOMIC DYSFUNCTION; MENTAL RETARDATION, SYNDROMAL, WITH INTERMITTENT HYPERVENTILATION. Identifiers: Orphanet 2896, MedGen C1970431, MONDO:0012589, OMIM 610954.

Allele frequency attached by ClinVar (database versions not stated): gnomAD exomes below 0.00001; gnomAD 0.00001; TOPMed 0.00001.
gnomAD v4.1: 1 of 1,613,528 alleles (0.000062%); highest among the groups gnomAD compares: African/African-American, 0.0013%; no homozygotes.

Submission:

GeneDx
Classification: Uncertain significance. Last evaluated: 2022-02-02. Review status: criteria provided, single submitter. Criteria: GeneDx Variant Classification Process June 2021. Collection method: clinical testing. Allele origin: germline. Affected: yes.
Comment: In silico analysis supports that this variant does not alter splicing; Has not been previously published as pathogenic or benign to our knowledge